The following is an entry in ClinVar:

NM_000059.4(BRCA2):c.7637C>G (p.Ser2546Cys)

Gene: BRCA2 (BRCA2 DNA repair associated; plus strand). Cytogenetic location: 13q13.1.
Variant type: single nucleotide variant.
Coding change: c.7637C>G on transcript NM_000059.4 (MANE Select); coding-DNA position 7637, C replaced by G.
Protein change: p.Ser2546Cys; replaces serine 2546 with cysteine.
Molecular consequence: missense variant. On other transcripts: non-coding transcript variant (1).
Genome position (GRCh38, 1-based): chr13:32,357,761, C>G. VCF-style: chr13-32357761-C-G. GRCh37 (hg19) VCF-style: chr13-32931898-C-G.
Other names: c.7541C>G, p.Ser2514Cys (NM_001406719.1); c.7637C>G, p.Ser2546Cys (NM_001406720.1, NM_001432077.1); c.2705C>G, p.Ser902Cys (NM_001406721.1); c.1220C>G, p.Ser407Cys (NM_001406722.1); short protein forms S2514C, S2546C, S407C, S902C.
Identifiers: ClinVar variation 4802344 (VCV004802344.2).

ClinVar aggregate classification (germline): Uncertain significance (1 of 4 stars; one submission).
ClinVar aggregate classification (oncogenicity): Likely benign (1 of 4 stars; one submission).

Conditions:
Hereditary breast ovarian cancer syndrome. Also called: Hereditary breast and ovarian cancer syndrome (HBOC); Breast and ovarian cancer; Hereditary breast and/or ovarian cancer syndrome; BRCA1- and BRCA2-Associated Hereditary Breast and Ovarian Cancer; Hereditary breast and ovarian cancer syndrome; Hereditary breast and ovarian cancer. Identifiers: Orphanet 145, MedGen C0677776, MeSH D061325, MONDO:0003582. Disease mechanism: loss of function.
Neoplasm. Also called: Neoplasms; Neoplasm (disease); tumor. Identifiers: MedGen C0027651, MeSH D009369, MONDO:0005070, HP:0002664.

gnomAD v4.1: 1 of 1,613,136 alleles (0.000062%); highest among the groups gnomAD compares: South Asian, 0.0011%; no homozygotes.

Submissions (2):

Center for Genomic Medicine, Rigshospitalet, Copenhagen University Hospital
Classification: Likely benign for Neoplasm. Last evaluated: 2026-10-16. Review status: criteria provided, single submitter. Criteria: ClinGen/CGC/VICC Guidelines for Oncogenicity, 2022. Collection method: clinical testing. Allele origin: somatic. Affected: yes.

Labcorp Genetics (formerly Invitae), Labcorp
Classification: Uncertain significance for Hereditary breast ovarian cancer syndrome. Last evaluated: 2025-02-17. Review status: criteria provided, single submitter. Criteria: Invitae Variant Classification Sherloc (09022015). Collection method: clinical testing. Allele origin: germline.
Comment: This sequence change replaces serine, which is neutral and polar, with cysteine, which is neutral and slightly polar, at codon 2546 of the BRCA2 protein (p.Ser2546Cys). This variant is present in population databases (no rsID available, gnomAD 0.003%). This variant has not been reported in the literature in individuals affected with BRCA2-related conditions. Invitae Evidence Modeling of protein sequence and biophysical properties (such as structural, functional, and spatial information, amino acid conservation, physicochemical variation, residue mobility, and thermodynamic stability) indicates that this missense variant is not expected to disrupt BRCA2 protein function with a negative predictive value of 95%. In summary, the available evidence is currently insufficient to determine the role of this variant in disease. Therefore, it has been classified as a Variant of Uncertain Significance.